The following is an entry in ClinVar:

NM_004453.4(ETFDH):c.1465A>G (p.Lys489Glu)

Gene: ETFDH (electron transfer flavoprotein dehydrogenase; plus strand). Cytogenetic location: 4q32.1.
Variant type: single nucleotide variant.
Coding change: c.1465A>G on transcript NM_004453.4 (MANE Select); coding-DNA position 1465, A replaced by G.
Protein change: p.Lys489Glu; replaces lysine 489 with glutamic acid.
Molecular consequence: missense variant.
Genome position (GRCh38, 1-based): chr4:158,706,368, A>G. VCF-style: chr4-158706368-A-G. GRCh37 (hg19) VCF-style: chr4-159627520-A-G.
Other names: c.1324A>G, p.Lys442Glu (NM_001281737.2); c.1282A>G, p.Lys428Glu (NM_001281738.1); short protein forms K428E, K442E, K489E.
Identifiers: ClinVar variation 1709338 (VCV001709338.2), dbSNP rs1774617095, ClinGen allele CA358564647.

ClinVar aggregate classification (germline): Uncertain significance (1 of 4 stars; one submission).

Conditions:
Multiple acyl-CoA dehydrogenase deficiency (MADD). Also called: Glutaric aciduria, type 2; Glutaric acidemia type II; GA 2; ETHYLMALONIC-ADIPICACIDURIA; GA II; Glutaric Acidemia type 2. Identifiers: Orphanet 26791, MedGen C0268596, MONDO:0009282, OMIM 231680.

Allele frequency attached by ClinVar (database versions not stated): gnomAD exomes below 0.00001.
gnomAD v4.1: 2 of 1,610,846 alleles (0.00012%); highest among the groups gnomAD compares: Non-Finnish European, 0.00017%; no homozygotes.

Submission:

MGZ Medical Genetics Center
Classification: Uncertain significance for Multiple acyl-CoA dehydrogenase deficiency. Last evaluated: 2022-03-15. Review status: criteria provided, single submitter. Criteria: ACMG Guidelines, 2015. Collection method: clinical testing. Allele origin: germline. Affected: yes. Observed: 1 variant allele.
Comment: ACMG criteria applied: PM2_SUP, PP2, PP3